The following is an entry in ClinVar:

NM_000489.6(ATRX):c.7083C>T (p.Asn2361=)

Gene: ATRX (ATRX chromatin remodeler; minus strand). Cytogenetic location: Xq21.1.
Variant type: single nucleotide variant.
Coding change: c.7083C>T on transcript NM_000489.6 (MANE Select); coding-DNA position 7083, C replaced by T.
Protein change: p.Asn2361=; no amino-acid change (asparagine 2361 retained).
Molecular consequence: synonymous variant.
Genome position (GRCh38, 1-based): chrX:77,520,905, G>A on the plus strand (C>T on the coding strand, the complement: ATRX is on the minus strand). VCF-style: chrX-77520905-G-A. GRCh37 (hg19) VCF-style: chrX-76776383-G-A.
Other names: c.6969C>T, p.Asn2323= (NM_138270.5).
Identifiers: ClinVar variation 533638 (VCV000533638.19), dbSNP rs3027525, ClinGen allele CA10457423.
Genomic context (GRCh38, chrX:77,520,905, plus strand): 5'-CTCCTGGCTGGCTTGTCTACTTAATGCTAACGCCTGTACTTGGGCCTCTGAGAGATTCAT[G>A]TTCTCCTTCCACTAAAAGAAAAATTTTCTATTTACTCCTTATTACTGTACAATTGAGGAA-3'
Protein context (NP_000480.3, residues 2351-2371): EDIISAVWKE[Asn2361=]MNLSEAQVQA

ClinVar aggregate classification (germline): Benign/Likely benign. Review status: criteria provided, multiple submitters, no conflicts (2 of 4 stars). 4 submissions from 4 submitters: Benign (1); Likely benign (3). Last evaluated 2026-07-01.

Conditions:
Inborn genetic diseases. Identifiers: MedGen C0950123, MeSH D030342.
Alpha thalassemia-X-linked intellectual disability syndrome (ATRX). Also called: ALPHA-THALASSEMIA/MENTAL RETARDATION SYNDROME, X-LINKED; ATR, NONDELETION TYPE; ALPHA-THALASSEMIA/IMPAIRED INTELLECTUAL DEVELOPMENT SYNDROME, X-LINKED; X-linked alpha-thalassemia-mental retardation syndrome; ATR-X syndrome; Alpha thalassemia mental retardation syndrome, nondeletion type, X-linked. Identifiers: Orphanet 847, MedGen C1845055, MONDO:0010519, OMIM 301040.

Allele frequency attached by ClinVar (database versions not stated): TOPMed 0.00006; ExAC 0.00007; gnomAD exomes 0.00010 and 0.00002; gnomAD 0.00002.
gnomAD v4.1: 27 of 1,206,262 alleles (0.0022%); highest among the groups gnomAD compares: Admixed American, 0.059%; no homozygotes.

Submissions (4):

CeGaT Center for Human Genetics Tuebingen
Classification: Likely benign. Last evaluated: 2026-07-01. Review status: criteria provided, single submitter. Criteria: CeGaT Center For Human Genetics Tuebingen Variant Classification Criteria Version 2. Collection method: clinical testing. Allele origin: germline. Affected: yes. Observed: 1 variant allele.
Comment: ATRX: BP4, BS2

Labcorp Genetics (formerly Invitae), Labcorp
Classification: Benign for Alpha thalassemia-X-linked intellectual disability syndrome. Last evaluated: 2026-01-05. Review status: criteria provided, single submitter. Criteria: Invitae Variant Classification Sherloc (09022015). Collection method: clinical testing. Allele origin: germline.

GeneDx
Classification: Likely benign. Last evaluated: 2021-03-15. Review status: criteria provided, single submitter. Criteria: GeneDx Variant Classification Process June 2021. Collection method: clinical testing. Allele origin: germline. Affected: yes.

Ambry Genetics
Classification: Likely benign for Inborn genetic diseases. Last evaluated: 2017-03-24. Review status: criteria provided, single submitter. Criteria: Ambry Variant Classification Scheme 2023. Collection method: clinical testing. Allele origin: germline.